The following is an entry in ClinVar:

NM_032409.3(PINK1):c.952A>T (p.Met318Leu)

Genes: PINK1 (PTEN induced kinase 1; plus strand), PINK1-AS (PINK1 antisense RNA; minus strand). Cytogenetic location: 1p36.12.
Variant type: single nucleotide variant.
Coding change: c.952A>T on transcript NM_032409.3 (MANE Select); coding-DNA position 952, A replaced by T.
Protein change: p.Met318Leu; replaces methionine 318 with leucine.
Molecular consequence: missense variant.
Genome position (GRCh38, 1-based): chr1:20,644,665, A>T. VCF-style: chr1-20644665-A-T. GRCh37 (hg19) VCF-style: chr1-20971158-A-T.
Other names: p.Met318Leu; short protein forms M318L.
Identifiers: ClinVar variation 447942 (VCV000447942.68), dbSNP rs139226733, ClinGen allele CA660587.
Genomic context (GRCh38, chr1:20,644,665, plus strand): 5'-GTGCTGCCCTCACGCCTCCACCCTGAAGGCCTGGGCCATGGCCGGACGCTGTTCCTCGTT[A>T]TGAAGAAGTAAGTGACAGCAGCGCGGCAGGGCCTGGAGCTGATACATCTCCCAAGGGGAG-3'
Protein context (NP_115785.1, residues 308-328): LGHGRTLFLV[Met318Leu]KNYPCTLRQY

ClinVar aggregate classification (germline): Uncertain significance. Review status: criteria provided, multiple submitters, no conflicts (2 of 4 stars). 14 submissions from 14 submitters: Uncertain significance (13). 1 of the submissions does not count toward it. Last evaluated 2026-08-03.

Conditions:
PINK1-related disorder. Also called: PINK1-related condition.
Autosomal recessive early-onset Parkinson disease 6 (PARK6). Also called: PARKINSON DISEASE 6, EARLY-ONSET; PINK1 Type of Young-Onset Parkinson Disease; PARKINSON DISEASE 6, MODIFIER OF; PINK1-Related Parkinson Disease. Identifiers: Orphanet 2828, MedGen C1853833, MONDO:0011613, OMIM 605909.

Allele frequency attached by ClinVar (database versions not stated): 1000 Genomes Project 30x 0.00016; 1000 Genomes Project 0.00020; TOPMed 0.00053; ESP Exome Variant Server 0.00069; gnomAD exomes 0.00073 and 0.00090; gnomAD 0.00088 and 0.00093; ExAC 0.00103.
gnomAD v4.1: 1,189 of 1,614,172 alleles (0.074%); highest among the groups gnomAD compares: Non-Finnish European, 0.08%; 1 homozygote.

Submissions (14):

GeneDx
Classification: Uncertain significance. Last evaluated: 2026-08-03. Review status: criteria provided, single submitter. Criteria: GeneDx Variant Classification Process June 2021. Collection method: clinical testing. Allele origin: germline.
Comment: In silico analysis supports that this missense variant has a deleterious effect on protein structure/function; This variant is associated with the following publications: (PMID: 16755580, 22118943, 15970950, 22644621, 18330912, 19351622, 16547921, 22243833, 27094865, 15596610, 21412950, 34426522, 27393345, 30665447, 33921279, 35954270, 39973502, 38173558, 24660942)

CeGaT Center for Human Genetics Tuebingen
Classification: Uncertain significance. Last evaluated: 2026-08-01. Review status: criteria provided, single submitter. Criteria: CeGaT Center For Human Genetics Tuebingen Variant Classification Criteria Version 2. Collection method: clinical testing. Allele origin: germline. Affected: yes. Observed: 5 variant alleles.
Comment: PINK1: PM2

Mayo Clinic Laboratories, Mayo Clinic
Classification: Uncertain significance. Last evaluated: 2025-11-03. Review status: criteria provided, single submitter. Criteria: ACMG Guidelines, 2015. Collection method: clinical testing. Allele origin: germline. Observed: 3 variant alleles.
Comment: BS1

Women's Health and Genetics/Laboratory Corporation of America, LabCorp
Classification: Uncertain significance. Last evaluated: 2024-11-27. Review status: criteria provided, single submitter. Criteria: LabCorp Variant Classification Summary - May 2015. Collection method: clinical testing. Allele origin: germline.
Comment: Variant summary: PINK1 c.952A>T (p.Met318Leu) results in a conservative amino acid change located in the Protein kinase domain profile domain (IPR000719) of the encoded protein sequence. Three of five in-silico tools predict a benign effect of the variant on protein function. The variant allele was found at a frequency of 0.0009 in 251094 control chromosomes in the gnomAD database, including 1 homozygotes. This frequency is not significantly higher than estimated for a pathogenic variant in PINK1 causing Autosomal Recessive Early-Onset Parkinson Disease 6, allowing no conclusion about variant significance. c.952A>T has been reported in the literature in the heterozygous state individuals affected with Parkinson Disease in conjunction with other variants in Parkinson Disease-related genes in some cases (Brooks_2009, Djarmati_2006, Rogaeva_2004, Diez-Fairen_2018, Landoulsi_2023, Farlow_2016, Pihlstrom_2014). These report(s) do not provide unequivocal conclusions about association of the variant with Autosomal Recessive Early-Onset Parkinson Disease 6. At least one publication reports experimental evidence that this variant resulted in no PINK1 auto-phosphorylation in vitro, indicating a loss of kinase activity, while overall protein levels of PINK1 remained relatively unchanged. These reults do not allow convincing conclusions about the variant effect (Broadway_2022). The following publications have been ascertained in the context of this evaluation (PMID: 35954270, 19351622, 29887346, 16755580, 26595808, 38173558, 24660942, 15596610). ClinVar contains an entry for this variant (Variation ID: 447942). Based on the evidence outlined above, the variant was classified as uncertain significance.

Blueprint Genetics
Classification: Uncertain significance. Last evaluated: 2024-11-21. Review status: criteria provided, single submitter. Criteria: ACMG Guidelines, 2015. Collection method: clinical testing. Allele origin: germline.

Labcorp Genetics (formerly Invitae), Labcorp
Classification: Uncertain significance for Autosomal recessive early-onset Parkinson disease 6. Last evaluated: 2022-10-25. Review status: criteria provided, single submitter. Criteria: Invitae Variant Classification Sherloc (09022015). Collection method: clinical testing. Allele origin: germline.
Comment: This sequence change replaces methionine, which is neutral and non-polar, with leucine, which is neutral and non-polar, at codon 318 of the PINK1 protein (p.Met318Leu). This variant is present in population databases (rs139226733, gnomAD 0.3%), including at least one homozygous and/or hemizygous individual. This missense change has been observed in individual(s) with in the heterozygous state in several individuals affected with late onset Parkinson's disease (PMID: 15596610, 16755580, 19351622, 22243833, 24660942, 27094865). ClinVar contains an entry for this variant (Variation ID: 447942). Advanced modeling of protein sequence and biophysical properties (such as structural, functional, and spatial information, amino acid conservation, physicochemical variation, residue mobility, and thermodynamic stability) performed at Invitae indicates that this missense variant is expected to disrupt PINK1 protein function. In summary, the available evidence is currently insufficient to determine the role of this variant in disease. Therefore, it has been classified as a Variant of Uncertain Significance.

Fulgent Genetics
Classification: Uncertain significance for Autosomal recessive early-onset Parkinson disease 6. Last evaluated: 2022-05-26. Review status: criteria provided, single submitter. Criteria: ACMG Guidelines, 2015. Collection method: clinical testing. Allele origin: unknown.

Revvity Omics, Revvity
Classification: Uncertain significance for Autosomal recessive early-onset Parkinson disease 6. Last evaluated: 2022-03-31. Review status: criteria provided, single submitter. Criteria: ACMG Guidelines, 2015. Collection method: clinical testing. Allele origin: germline.

CENTOGENE GmbH and LLC - Guiding Precision Medicine
Classification: Uncertain significance for Autosomal recessive early-onset Parkinson disease 6. Last evaluated: 2021-08-27. Review status: criteria provided, single submitter. Criteria: ACMG Guidelines, 2015. Collection method: clinical testing. Allele origin: germline. Affected: yes.

Illumina Laboratory Services, Illumina
Classification: Uncertain significance for Autosomal recessive early-onset Parkinson disease 6. Last evaluated: 2017-04-27. Review status: criteria provided, single submitter. Criteria: ICSL Variant Classification Criteria 13 December 2019. Collection method: clinical testing. Allele origin: germline.
Comment: This variant was observed as part of a predisposition screen in an ostensibly healthy population. A literature search was performed for the gene, cDNA change, and amino acid change (where applicable). Publications were found based on this search. However, the evidence from the literature, in combination with allele frequency data from public databases where available, was not sufficient to rule this variant in or out of causing disease. Therefore, this variant is classified as a variant of unknown significance.

Athena Diagnostics
Classification: Uncertain significance. Last evaluated: 2017-02-03. Review status: criteria provided, single submitter. Criteria: Athena Diagnostics Criteria. Collection method: clinical testing. Allele origin: germline.

Eurofins Ntd Llc (ga)
Classification: Uncertain significance. Last evaluated: 2016-10-17. Review status: criteria provided, single submitter. Criteria: EGL Classification Definitions 2015. Collection method: clinical testing. Allele origin: germline. Observed: 1 variant allele, 1 heterozygote.

Breakthrough Genomics
Classification: Uncertain significance. Review status: criteria provided, single submitter. Criteria: ACMG Guidelines, 2015. Collection method: not provided. Allele origin: germline. Inheritance: Autosomal recessive inheritance. Affected: yes.

PreventionGenetics, part of Exact Sciences
Classification: Uncertain significance for PINK1-related condition. Last evaluated: 2024-04-30. Review status: no assertion criteria provided. Collection method: clinical testing. Allele origin: germline. Not counted in ClinVar's aggregate classification.
Comment: The PINK1 c.952A>T variant is predicted to result in the amino acid substitution p.Met318Leu. This variant has been reported in the heterozygous state in multiple individuals with both late- and early-onset Parkinson's disease (Rogaeva et al. 2004. PubMed ID: 15596610; Djarmati et al. 2006. PubMed ID: 16755580; Brooks et al. 2009. PubMed ID: 19351622; Pihlstrøm et al. 2014. PubMed ID: 24660942; Bandrés-Ciga et al. 2016. PubMed ID: 27393345; Kuzkina et al. 2022. PubMed ID: 37248217). In vitro functional studies have shown that this variant leads to a loss of PINK1 phosphorylation activity (Broadway et al. 2022. PubMed ID: 35954270). This variant is reported in 0.25% of alleles in individuals of Ashkenazi Jewish descent in gnomAD, including one homozygote. At this time, the clinical significance of this variant is uncertain due to the absence of conclusive functional and genetic evidence.

Literature cited by the submitters: PubMed 15596610 (cited by 5 submitters); PubMed 15970950 (cited by Mayo Clinic Laboratories, Mayo Clinic); PubMed 16755580 (cited by 5 submitters); PubMed 19351622 (cited by 4 submitters); PubMed 22118943 (cited by Mayo Clinic Laboratories, Mayo Clinic and Athena Diagnostics); PubMed 22243833 (cited by 3 submitters); PubMed 24660942 (cited by 4 submitters); PubMed 27094865 (cited by 3 submitters); PubMed 29887346 (cited by Mayo Clinic Laboratories, Mayo Clinic and Women's Health and Genetics/Laboratory Corporation of America, LabCorp); PubMed 34426522 (cited by Mayo Clinic Laboratories, Mayo Clinic); PubMed 39973502 (cited by Mayo Clinic Laboratories, Mayo Clinic); PubMed 40990068 (cited by Mayo Clinic Laboratories, Mayo Clinic); PubMed 35954270 (cited by Women's Health and Genetics/Laboratory Corporation of America, LabCorp); PubMed 26595808 (cited by Women's Health and Genetics/Laboratory Corporation of America, LabCorp); PubMed 38173558 (cited by Women's Health and Genetics/Laboratory Corporation of America, LabCorp); PubMed 22644621 (cited by Athena Diagnostics); PubMed 16547921 (cited by Athena Diagnostics); PubMed 21412950 (cited by Athena Diagnostics).